The following is an entry in ClinVar:

ClinVar aggregate classification (germline): Uncertain significance (1 of 4 stars; one submission).

Conditions:
Joubert syndrome. Also called: CEREBELLOPARENCHYMAL DISORDER IV; JOUBERT-BOLTSHAUSER SYNDROME; Familial aplasia of the vermis. Identifiers: Orphanet 475, MedGen C5979921, MONDO:0018772.
Meckel-Gruber syndrome. Also called: DYSENCEPHALIA SPLANCHNOCYSTICA; GRUBER SYNDROME; Dysencephalia splachnocystica. Identifiers: Orphanet 564, MedGen C0265215, MONDO:0018921.

Allele frequency attached by ClinVar (database versions not stated): gnomAD 0.00001; TOPMed 0.00001.
gnomAD v4.1: 6 of 1,612,488 alleles (0.00037%); highest among the groups gnomAD compares: Non-Finnish European, 0.00051%; no homozygotes.

Submission:

Labcorp Genetics (formerly Invitae), Labcorp
Classification: Uncertain significance for Joubert syndrome; Meckel-Gruber syndrome. Last evaluated: 2022-07-19. Review status: criteria provided, single submitter. Criteria: Invitae Variant Classification Sherloc (09022015). Collection method: clinical testing. Allele origin: germline.
Comment: This sequence change replaces isoleucine, which is neutral and non-polar, with serine, which is neutral and polar, at codon 1088 of the RPGRIP1L protein (p.Ile1088Ser). In summary, the available evidence is currently insufficient to determine the role of this variant in disease. Therefore, it has been classified as a Variant of Uncertain Significance. Algorithms developed to predict the effect of missense changes on protein structure and function are either unavailable or do not agree on the potential impact of this missense change (SIFT: "Deleterious"; PolyPhen-2: "Possibly Damaging"; Align-GVGD: "Class C15"). ClinVar contains an entry for this variant (Variation ID: 1376146). This variant has not been reported in the literature in individuals affected with RPGRIP1L-related conditions. This variant is not present in population databases (gnomAD no frequency).

NM_015272.5(RPGRIP1L):c.3263T>G (p.Ile1088Ser)

Gene: RPGRIP1L (RPGRIP1 like; minus strand). Cytogenetic location: 16q12.2.
Variant type: single nucleotide variant.
Coding change: c.3263T>G on transcript NM_015272.5 (MANE Select); coding-DNA position 3263, T replaced by G.
Protein change: p.Ile1088Ser; replaces isoleucine 1088 with serine.
Molecular consequence: missense variant.
Genome position (GRCh38, 1-based): chr16:53,636,470, A>C on the plus strand (T>G on the coding strand, the complement: RPGRIP1L is on the minus strand). VCF-style: chr16-53636470-A-C. GRCh37 (hg19) VCF-style: chr16-53670382-A-C.
Other names: c.3161T>G, p.Ile1054Ser (NM_001127897.4, NM_001330538.2); c.3263T>G, p.Ile1088Ser (NM_001308334.3); short protein forms I1088S, I1054S.
Identifiers: ClinVar variation 1376146 (VCV001376146.6), dbSNP rs1185071339, ClinGen allele CA395925686.